The following is an entry in ClinVar:

ClinVar aggregate classification (germline): Uncertain significance (1 of 4 stars; one submission).

Conditions:
Generalized epilepsy-paroxysmal dyskinesia syndrome (PNKD3). Also called: Generalized epilepsy and paroxysmal dyskinesia; Paroxysmal nonkinesigenic dyskinesia, 3, with or without generalized epilepsy. Identifiers: Orphanet 79137, MedGen C5574945, MONDO:0012276, OMIM 609446.

gnomAD v4.1: 1 of 1,580,600 alleles (0.000063%); highest among the groups gnomAD compares: Non-Finnish European, 0.000087%; no homozygotes.

Submission:

Labcorp Genetics (formerly Invitae), Labcorp
Classification: Uncertain significance for Generalized epilepsy-paroxysmal dyskinesia syndrome. Last evaluated: 2024-09-27. Review status: criteria provided, single submitter. Criteria: Invitae Variant Classification Sherloc (09022015). Collection method: clinical testing. Allele origin: germline.
Comment: This sequence change replaces histidine, which is basic and polar, with aspartic acid, which is acidic and polar, at codon 651 of the KCNMA1 protein (p.His651Asp). This variant is not present in population databases (gnomAD no frequency). This variant has not been reported in the literature in individuals affected with KCNMA1-related conditions. Invitae Evidence Modeling of protein sequence and biophysical properties (such as structural, functional, and spatial information, amino acid conservation, physicochemical variation, residue mobility, and thermodynamic stability) indicates that this missense variant is not expected to disrupt KCNMA1 protein function with a negative predictive value of 80%. In summary, the available evidence is currently insufficient to determine the role of this variant in disease. Therefore, it has been classified as a Variant of Uncertain Significance.

NM_001161352.2(KCNMA1):c.1951C>G (p.His651Asp)

Gene: KCNMA1 (potassium calcium-activated channel subfamily M alpha 1; minus strand). Cytogenetic location: 10q22.3.
Variant type: single nucleotide variant.
Coding change: c.1951C>G on transcript NM_001161352.2 (MANE Select); coding-DNA position 1951, C replaced by G.
Protein change: p.His651Asp; replaces histidine 651 with aspartic acid.
Molecular consequence: missense variant.
Genome position (GRCh38, 1-based): chr10:77,019,077, G>C on the plus strand (C>G on the coding strand, the complement: KCNMA1 is on the minus strand). VCF-style: chr10-77019077-G-C. GRCh37 (hg19) VCF-style: chr10-78778835-G-C.
Other names: c.1951C>G, p.His651Asp (NM_001161353.2, NM_001271519.2, NM_001322829.2 and 4 more transcripts); c.1801C>G, p.His601Asp (NM_001271518.2); c.1963C>G, p.His655Asp (NM_001322830.2, NM_001322835.2, NM_001322837.2 and 1 more transcripts); c.1411C>G, p.His471Asp (NM_001322838.2); short protein forms H601D, H651D, H471D, H655D.
Identifiers: ClinVar variation 3664295 (VCV003664295.2).